The following is an entry in ClinVar:

NM_004958.4(MTOR):c.791C>G (p.Ala264Gly)

Gene: MTOR (mechanistic target of rapamycin kinase; minus strand). Cytogenetic location: 1p36.22.
Variant type: single nucleotide variant.
Coding change: c.791C>G on transcript NM_004958.4 (MANE Select); coding-DNA position 791, C replaced by G.
Protein change: p.Ala264Gly; replaces alanine 264 with glycine.
Molecular consequence: missense variant.
Genome position (GRCh38, 1-based): chr1:11,253,888, G>C on the plus strand (C>G on the coding strand, the complement: MTOR is on the minus strand). VCF-style: chr1-11253888-G-C. GRCh37 (hg19) VCF-style: chr1-11313945-G-C.
Other names: c.791C>G (LRG_734t1); short protein forms A264G.
Identifiers: ClinVar variation 640146 (VCV000640146.8), dbSNP rs1008735152, ClinGen allele CA17955821.
Genomic context (GRCh38, chr1:11,253,888, plus strand): 5'-TGGCTTCTCACCTCTCCCTCCATGCTGCTGATTCGGACCAGCTCGTTAAGGATCAACAAG[G>C]CTCCATGGATCCGATCATCCCGATTCATGCCCTTCTCTTTGGCCAAGGTCTCATCAAATC-3'
Protein context (NP_004949.1, residues 254-274): GMNRDDRIHG[Ala264Gly]LLILNELVRI

ClinVar aggregate classification (germline): Uncertain significance (1 of 4 stars; one submission).

Allele frequency attached by ClinVar (database versions not stated): gnomAD 0.00001; TOPMed 0.00002.
gnomAD v4.1: 1 of 1,613,916 alleles (0.000062%); highest among the groups gnomAD compares: African/African-American, 0.0013%; no homozygotes.

Submission:

Labcorp Genetics (formerly Invitae), Labcorp
Classification: Uncertain significance. Last evaluated: 2024-01-04. Review status: criteria provided, single submitter. Criteria: Invitae Variant Classification Sherloc (09022015). Collection method: clinical testing. Allele origin: germline.
Comment: This sequence change replaces alanine, which is neutral and non-polar, with glycine, which is neutral and non-polar, at codon 264 of the MTOR protein (p.Ala264Gly). This variant is not present in population databases (gnomAD no frequency). This variant has not been reported in the literature in individuals affected with MTOR-related conditions. ClinVar contains an entry for this variant (Variation ID: 640146). Advanced modeling of protein sequence and biophysical properties (such as structural, functional, and spatial information, amino acid conservation, physicochemical variation, residue mobility, and thermodynamic stability) performed at Invitae indicates that this missense variant is not expected to disrupt MTOR protein function with a negative predictive value of 95%. In summary, the available evidence is currently insufficient to determine the role of this variant in disease. Therefore, it has been classified as a Variant of Uncertain Significance.